The following is an entry in ClinVar:

ClinVar aggregate classification (germline): Benign/Likely benign. Review status: criteria provided, multiple submitters, no conflicts (2 of 4 stars). 10 submissions from 10 submitters: Benign (3); Likely benign (5). 2 of the submissions do not count toward it. Last evaluated 2026-01-25.

Conditions:
Niemann-Pick disease, type C1. Also called: NIEMANN-PICK DISEASE, VARIANT TYPE C1; NEUROVISCERAL STORAGE DISEASE WITH VERTICAL SUPRANUCLEAR OPHTHALMOPLEGIA; NIEMANN-PICK DISEASE WITH CHOLESTEROL ESTERIFICATION BLOCK; NIEMANN-PICK DISEASE WITHOUT SPHINGOMYELINASE DEFICIENCY; NIEMANN-PICK DISEASE, CHRONIC NEURONOPATHIC FORM. Identifiers: Orphanet 646, MedGen C3179455, MONDO:0009757, OMIM 257220.
NPC1-related disorder. Also called: NPC1-related condition.
Inborn genetic diseases. Identifiers: MedGen C0950123, MeSH D030342.

Allele frequency attached by ClinVar (database versions not stated): gnomAD exomes 0.00032 and 0.00083; ExAC 0.00111; 1000 Genomes Project 30x 0.00281; 1000 Genomes Project 0.00300; gnomAD 0.00332 and 0.00352; TOPMed 0.00390; ESP Exome Variant Server 0.00446.
gnomAD v4.1: 988 of 1,613,746 alleles (0.061%); highest among the groups gnomAD compares: African/African-American, 1.2%; 7 homozygotes.

Submissions (10):

Labcorp Genetics (formerly Invitae), Labcorp
Classification: Benign for Niemann-Pick disease, type C1. Last evaluated: 2026-01-25. Review status: criteria provided, single submitter. Criteria: Invitae Variant Classification Sherloc (09022015). Collection method: clinical testing. Allele origin: germline.

Mayo Clinic Laboratories, Mayo Clinic
Classification: Benign. Last evaluated: 2024-12-26. Review status: criteria provided, single submitter. Criteria: ACMG Guidelines, 2015. Collection method: clinical testing. Allele origin: germline. Observed: 3 variant alleles.
Comment: BA1, BP4, BP7

Blueprint Genetics
Classification: Likely benign. Last evaluated: 2024-11-27. Review status: criteria provided, single submitter. Criteria: ACMG Guidelines, 2015. Collection method: clinical testing. Allele origin: germline.

Ambry Genetics
Classification: Likely benign for Inborn genetic diseases. Last evaluated: 2022-03-30. Review status: criteria provided, single submitter. Criteria: Ambry Variant Classification Scheme 2023. Collection method: clinical testing. Allele origin: germline.

Fulgent Genetics
Classification: Likely benign for Niemann-Pick disease, type C1. Last evaluated: 2021-09-03. Review status: criteria provided, single submitter. Criteria: ACMG Guidelines, 2015. Collection method: clinical testing. Allele origin: unknown.

GeneDx
Classification: Benign. Last evaluated: 2021-03-04. Review status: criteria provided, single submitter. Criteria: GeneDx Variant Classification Process June 2021. Collection method: clinical testing. Allele origin: germline. Affected: yes.

Illumina Laboratory Services, Illumina
Classification: Likely benign for Niemann-Pick disease type C1. Last evaluated: 2018-01-12. Review status: criteria provided, single submitter. Criteria: ICSL Variant Classification Criteria 13 December 2019. Collection method: clinical testing. Allele origin: germline.
Comment: This variant was observed in the ICSL laboratory as part of a predisposition screen in an ostensibly healthy population. It had not been previously curated by ICSL or reported in the Human Gene Mutation Database (HGMD: prior to June 1st, 2018), and was therefore a candidate for classification through an automated scoring system. Utilizing variant allele frequency, disease prevalence and penetrance estimates, and inheritance mode, an automated score was calculated to assess if this variant is too frequent to cause the disease. Based on the score and internal cut-off values, a variant classified as likely benign is not then subjected to further curation. The score for this variant resulted in a classification of likely benign for this disease.

Breakthrough Genomics
Classification: Likely benign. Review status: criteria provided, single submitter. Criteria: ACMG Guidelines, 2015. Collection method: not provided. Allele origin: germline. Inheritance: Autosomal recessive inheritance. Affected: yes.

PreventionGenetics, part of Exact Sciences
Classification: Benign for NPC1-related condition. Last evaluated: 2021-09-27. Review status: no assertion criteria provided. Collection method: clinical testing. Allele origin: germline. Not counted in ClinVar's aggregate classification.
Comment: This variant is classified as benign based on ACMG/AMP sequence variant interpretation guidelines (Richards et al. 2015 PMID: 25741868, with internal and published modifications).

Natera, Inc.
Classification: Benign for Niemann-Pick disease type C1. Last evaluated: 2019-11-11. Review status: no assertion criteria provided. Collection method: clinical testing. Allele origin: germline. Not counted in ClinVar's aggregate classification.

NM_000271.5(NPC1):c.3441C>T (p.Ile1147=)

Gene: NPC1 (NPC intracellular cholesterol transporter 1; minus strand). Cytogenetic location: 18q11.2.
Variant type: single nucleotide variant.
Coding change: c.3441C>T on transcript NM_000271.5 (MANE Select); coding-DNA position 3441, C replaced by T.
Protein change: p.Ile1147=; no amino-acid change (isoleucine 1147 retained).
Molecular consequence: synonymous variant.
Genome position (GRCh38, 1-based): chr18:23,535,505, G>A on the plus strand (C>T on the coding strand, the complement: NPC1 is on the minus strand). VCF-style: chr18-23535505-G-A. GRCh37 (hg19) VCF-style: chr18-21115469-G-A.
Other names: p.Ile1147=.
Identifiers: ClinVar variation 326249 (VCV000326249.28), dbSNP rs116436235, ClinGen allele CA8912777.